The following is an entry in ClinVar:

ClinVar aggregate classification (germline): Uncertain significance (1 of 4 stars; one submission).

Conditions:
X-linked intellectual disability Cabezas type (MRXSC). Also called: CABEZAS SYNDROME; MENTAL RETARDATION, X-LINKED, SYNDROMIC 15; Intellectual developmental disorder, X-linked syndromic, Cabezas type. Identifiers: Orphanet 85289, Orphanet 85293, MedGen C1845861, MONDO:0010306, OMIM 300354.

Submission:

Pittsburgh Clinical Genomics Laboratory, University of Pittsburgh Medical Center
Classification: Uncertain significance for X-linked intellectual disability Cabezas type. Last evaluated: 2022-04-13. Review status: criteria provided, single submitter. Criteria: ACMG Guidelines, 2015. Collection method: clinical testing. Allele origin: germline. Inheritance: X-linked recessive inheritance. Affected: yes.
Comment: This sequence variant is a single nucleotide substitution (G>A) at the +5 position downstream of exon 10 of 23 in the CUL4B gene. This is a novel variant which has not been reported previously in individuals with CUL4B-related disease, to our knowledge. This variant is absent from the gnomAD control population database (0/~182000 alleles). Multiple splicing tools predict that this variant will disrupt the normal function of the exon 10 splice donor site; however, this prediction has not been confirmed with in vitro or in vivo functiol assays, to our knowledge. Without further clinical or functiol information, there is insufficient information to determine if this variant is benign or pathogenic. Thus, we consider it to be a variant of uncertain significance. ACMG Criteria: PM2, PP3, PP4

NM_001079872.2(CUL4B):c.1256+5G>A

Gene: CUL4B (cullin 4B; minus strand). Cytogenetic location: Xq24.
Variant type: single nucleotide variant.
Coding change: c.1256+5G>A on transcript NM_001079872.2 (MANE Select); 5 bases into the intron after coding-DNA position 1256, G replaced by A.
Molecular consequence: intron variant.
Genome position (GRCh38, 1-based): chrX:120,543,722, C>T on the plus strand (G>A on the coding strand, the complement: CUL4B is on the minus strand). VCF-style: chrX-120543722-C-T. GRCh37 (hg19) VCF-style: chrX-119677577-C-T.
Other names: c.1310+5G>A (NM_003588.4); c.1271+5G>A (NM_001330624.2); c.722+5G>A (NM_001369145.1).
Identifiers: ClinVar variation 3376233 (VCV003376233.1).